The following is an entry in ClinVar:

ClinVar aggregate classification (germline): Benign. Review status: criteria provided, multiple submitters, no conflicts (2 of 4 stars). 3 submissions from 3 submitters: Benign (2). 1 of the submissions does not count toward it. Last evaluated 2017-04-27.

Conditions:
Multiple mitochondrial dysfunctions syndrome 1 (MMDS1). Identifiers: Orphanet 401869, MedGen C3276432, MONDO:0011582, OMIM 605711.

Allele frequency attached by ClinVar (database versions not stated): ESP Exome Variant Server 0.00389; 1000 Genomes Project 0.00539; gnomAD 0.00569 and 0.00625; TOPMed 0.00589; 1000 Genomes Project 30x 0.00609.
gnomAD v4.1: 1,670 of 1,610,540 alleles (0.1%); highest among the groups gnomAD compares: African/African-American, 1.9%; 18 homozygotes.

Submissions (3):

Illumina Laboratory Services, Illumina
Classification: Benign for Multiple mitochondrial dysfunctions syndrome 1. Last evaluated: 2017-04-27. Review status: criteria provided, single submitter. Criteria: ICSL Variant Classification Criteria 13 December 2019. Collection method: clinical testing. Allele origin: germline.
Comment: This variant was observed as part of a predisposition screen in an ostensibly healthy population. A literature search was performed for the gene, cDNA change, and amino acid change (where applicable). No publications were found based on this search. Allele frequency data from public databases was too high to be consistent with this variant causing disease. Therefore, this variant is classified as benign.

GeneDx
Classification: Benign. Last evaluated: 2014-04-23. Review status: criteria provided, single submitter. Criteria: GeneDx Variant Classification (06012015). Collection method: clinical testing. Allele origin: germline. Affected: yes.
Comment: This variant is considered likely benign or benign based on one or more of the following criteria: it is a conservative change, it occurs at a poorly conserved position in the protein, it is predicted to be benign by multiple in silico algorithms, and/or has population frequency not consistent with disease.

Mayo Clinic Laboratories, Mayo Clinic
Classification: Benign. Last evaluated: 2017-09-15. Review status: no assertion criteria provided. Collection method: clinical testing. Allele origin: unknown. Not counted in ClinVar's aggregate classification.

NM_001002755.4(NFU1):c.-6A>G

Genes: NFU1 (NFU1 iron-sulfur cluster scaffold; minus strand), LOC129934004 (ATAC-STARR-seq lymphoblastoid active region 15971; plus strand). Cytogenetic location: 2p13.3.
Variant type: single nucleotide variant.
Coding change: c.-6A>G on transcript NM_001002755.4 (MANE Select); 6 bases upstream of the start codon, A replaced by G.
Molecular consequence: 5 prime UTR variant. On other transcripts: non-coding transcript variant (2), intron variant (1).
Genome position (GRCh38, 1-based): chr2:69,437,428, T>C on the plus strand (A>G on the coding strand, the complement: NFU1 is on the minus strand). VCF-style: chr2-69437428-T-C. GRCh37 (hg19) VCF-style: chr2-69664560-T-C.
Other names: c.-383A>G (NM_001002756.2); c.-168A>G (NM_015700.4); c.-11+625A>G (NM_001374284.1).
Identifiers: ClinVar variation 138517 (VCV000138517.9), dbSNP rs116604978, ClinGen allele CA292535.